The following is an entry in ClinVar:

NM_004329.3(BMPR1A):c.-496G>A

Genes: BMPR1A (bone morphogenetic protein receptor type 1A; plus strand), LOC130004245 (ATAC-STARR-seq lymphoblastoid silent region 2573; plus strand). Cytogenetic location: 10q23.2.
Variant type: single nucleotide variant.
Coding change: c.-496G>A on transcript NM_004329.3 (MANE Select); 496 bases upstream of the start codon, G replaced by A.
Molecular consequence: 5 prime UTR variant. On other transcripts: non-coding transcript variant (3), intron variant (5).
Genome position (GRCh38, 1-based): chr10:86,756,691, G>A. VCF-style: chr10-86756691-G-A. GRCh37 (hg19) VCF-style: chr10-88516448-G-A.
Other names: c.-496G>A (NM_001406559.1, NM_001406560.1, NM_001406583.1 and 1 more transcripts); c.-601G>A (NM_001406561.1); c.-893G>A (NM_001406563.1); c.-756G>A (NM_001406565.1); c.-810G>A (NM_001406569.1); c.-625G>A (NM_001406570.1); c.-915G>A (NM_001406571.1); c.-845G>A (NM_001406572.1); and 20 more.
Identifiers: ClinVar variation 4977456 (VCV004977456.1).

ClinVar aggregate classification (germline): Likely benign (1 of 4 stars; one submission).

Conditions:
BMPR1A-related disorder. Also called: BMPR1A-related condition.

Submission:

PreventionGenetics, part of Exact Sciences
Classification: Likely benign for BMPR1A-related condition. Last evaluated: 2025-11-03. Review status: criteria provided, single submitter. Criteria: ACMG Guidelines, 2015. Collection method: clinical testing. Allele origin: germline.
Comment: This variant is classified as likely benign based on ACMG/AMP sequence variant interpretation guidelines (Richards et al. 2015 PMID: 25741868, with internal and published modifications).